The following is an entry in ClinVar:

ClinVar aggregate classification (germline): Uncertain significance. Review status: criteria provided, multiple submitters, no conflicts (2 of 4 stars). 2 submissions from 2 submitters: Uncertain significance (2). Last evaluated 2026-03-05.

gnomAD v4.1: 5 of 1,612,544 alleles (0.00031%); highest among the groups gnomAD compares: South Asian, 0.0055%; no homozygotes.

Submissions (2):

GeneDx
Classification: Uncertain significance. Last evaluated: 2026-03-05. Review status: criteria provided, single submitter. Criteria: GeneDx Variant Classification Process June 2021. Collection method: clinical testing. Allele origin: germline.
Comment: Not observed at significant frequency in large population cohorts (gnomAD); In silico analysis supports that this missense variant has a deleterious effect on protein structure/function; Has not been previously published as pathogenic or benign to our knowledge

Centre of Medical Genetics, University Hospital Muenster
Classification: Uncertain significance. Last evaluated: 2023-09-11. Review status: criteria provided, single submitter. Criteria: ACMG Guidelines, 2015. Collection method: clinical testing. Allele origin: unknown. Affected: yes. Observed: 1 variant allele, 1 heterozygote.
Comment: ACMG categories: PM2,PP3

NM_006946.4(SPTBN2):c.1709T>C (p.Leu570Pro)

Gene: SPTBN2 (spectrin beta, non-erythrocytic 2; minus strand). Cytogenetic location: 11q13.2.
Variant type: single nucleotide variant.
Coding change: c.1709T>C on transcript NM_006946.4 (MANE Select); coding-DNA position 1709, T replaced by C.
Protein change: p.Leu570Pro; replaces leucine 570 with proline.
Molecular consequence: missense variant.
Genome position (GRCh38, 1-based): chr11:66,705,782, A>G on the plus strand (T>C on the coding strand, the complement: SPTBN2 is on the minus strand). VCF-style: chr11-66705782-A-G. GRCh37 (hg19) VCF-style: chr11-66473253-A-G.
Other names: c.1709T>C (NM_006946.2); c.1730T>C, p.Leu577Pro (NM_001411025.1); short protein forms L570P, L577P.
Identifiers: ClinVar variation 3062167 (VCV003062167.3), dbSNP rs2496311936, ClinGen allele CA381479997.